The following is an entry in ClinVar:

ClinVar aggregate classification (germline): Uncertain significance (1 of 4 stars; one submission).

Conditions:
Inborn genetic diseases. Identifiers: MedGen C0950123, MeSH D030342.

Submission:

Ambry Genetics
Classification: Uncertain significance for Inborn genetic diseases. Last evaluated: 2026-08-19. Review status: criteria provided, single submitter. Criteria: Ambry Variant Classification Scheme 2023. Collection method: clinical testing. Allele origin: germline.
Comment: The c.1768+5G>A intronic variant consists of a G to A substitution 5 nucleotides after exon 22 (coding exon 22) of the CAMK2B gene. This variant was not reported in population-based cohorts in the Genome Aggregation Database (gnomAD). This nucleotide position is highly conserved in available vertebrate species. In silico splice site analysis predicts that this alteration will weaken the native splice donor site and will result in the creation or strengthening of a novel splice donor site. Based on insufficient or conflicting evidence, the clinical significance of this alteration remains unclear.

NM_001220.5(CAMK2B):c.1768+5G>A

Gene: CAMK2B (calcium/calmodulin dependent protein kinase II beta; minus strand). Cytogenetic location: 7p13.
Variant type: single nucleotide variant.
Coding change: c.1768+5G>A on transcript NM_001220.5 (MANE Select); 5 bases into the intron after coding-DNA position 1768, G replaced by A.
Molecular consequence: intron variant.
Genome position (GRCh38, 1-based): chr7:44,220,611, C>T on the plus strand (G>A on the coding strand, the complement: CAMK2B is on the minus strand). VCF-style: chr7-44220611-C-T. GRCh37 (hg19) VCF-style: chr7-44260210-C-T.
Other names: c.1117+5G>A (NM_172084.3); c.1321+5G>A (NM_172080.3); c.1207+5G>A (NM_172083.3); c.1279+5G>A (NM_172081.3); c.1324+5G>A (NM_172079.3); c.1246+5G>A (NM_172082.3); c.1396+5G>A (NM_001293170.2, NM_172078.3).
Identifiers: ClinVar variation 5033659 (VCV005033659.1).
Genomic context (GRCh38, chr7:44,220,611, plus strand): 5'-GGAGGGGCCGAGAGGCTCTCCTGGGGGCACCGCCCCCTCATGCCCACCCGGGCTTCCTCA[C>T]TCACGGTTCTCGAAGTAGAATCTGTGGAAGTCCATCCCTTCAACCAGGTTGCCCAGTGCT-3'